The following is an entry in ClinVar:

ClinVar aggregate classification (germline): Pathogenic (1 of 4 stars; one submission).

Conditions:
Arrhythmogenic right ventricular dysplasia 9 (ARVD9). Also called: Arrhythmogenic Right Ventricular Dysplasia/Cardiomyopathy 9; ARRHYTHMOGENIC RIGHT VENTRICULAR DYSPLASIA, FAMILIAL, 9. Identifiers: MedGen C1836906, MONDO:0012180, OMIM 609040.

Submission:

Labcorp Genetics (formerly Invitae), Labcorp
Classification: Pathogenic for Arrhythmogenic right ventricular dysplasia 9. Last evaluated: 2016-10-04. Review status: criteria provided, single submitter. Criteria: Invitae Variant Classification Sherloc (09022015). Collection method: clinical testing. Allele origin: germline.
Comment: For these reasons, this variant has been classified as Pathogenic. While this particular variant has not been reported in the literature, loss-of-function variants in PKP2 are known to be pathogenic (PMID: 15489853). This sequence change deletes 3 nucleotides and inserts 10 nucleotides in exon 10 of the PKP2 mRNA (c.2081_2083delinsATCGCCAAAA), causing a frameshift at codon 694. This creates a premature translational stop signal (p.Val694Aspfs*51) and is expected to result in an absent or disrupted protein product.

Literature cited by the submitters: PubMed 15489853.

NM_001005242.3(PKP2):c.1949_1951delinsATCGCCAAAA (p.Val650fs)

Gene: PKP2 (plakophilin 2; minus strand). Cytogenetic location: 12p11.21.
Variant type: Indel.
Coding change: c.1949_1951delinsATCGCCAAAA on transcript NM_001005242.3 (MANE Select); coding-DNA positions 1949 to 1951, TCC replaced by ATCGCCAAAA.
Protein change: p.Val650fs; shifts the reading frame from valine 650.
Molecular consequence: frameshift variant.
Genome position (GRCh38, 1-based): chr12:32,821,418-32,821,420, GGA replaced by TTTTGGCGAT on the plus strand (TCC replaced by ATCGCCAAAA on the coding strand, the reverse complement: PKP2 is on the minus strand). VCF-style: chr12-32821418-GGA-TTTTGGCGAT. GRCh37 (hg19) VCF-style: chr12-32974352-GGA-TTTTGGCGAT.
Other names: c.2081_2083delinsATCGCCAAAA, p.Val694fs (NM_004572.4); short protein forms V650fs, V694fs.
Identifiers: ClinVar variation 406554 (VCV000406554.5), dbSNP rs1064792929, ClinGen allele CA16613797.
Genomic context (GRCh38, chr12:32,821,418, plus strand): 5'-GTCCACTTCCGGCCGTGAGGTTCTGCAGAGCTCCTAAGGATGCTTCTTGTGTGTAGTTGC[GGA>TTTTGGCGAT]CACTTTTGGCGATCAAGGACAGATACATCCTTATAACAATGGAATGCCACAGCCACTCCA-3'